The following is an entry in ClinVar:

ClinVar aggregate classification (germline): Benign/Likely benign. Review status: criteria provided, multiple submitters, no conflicts (2 of 4 stars). 6 submissions from 6 submitters: Benign (1); Likely benign (5). Last evaluated 2026-05-18.

Conditions:
Cardiovascular phenotype. Identifiers: MedGen CN230736.
Hereditary cancer-predisposing syndrome. Also called: Hereditary neoplastic syndrome; Tumor predisposition; Neoplastic Syndromes, Hereditary; Hereditary Cancer Syndrome. Identifiers: Orphanet 140162, MedGen C0027672, MeSH D009386, MONDO:0015356.
Neurofibromatosis, type 1 (NF1). Also called: NEUROFIBROMATOSIS, TYPE I, SOMATIC; Neurofibromatosis, type I; VON RECKLINGHAUSEN DISEASE; Peripheral type neurofibromatosis. Identifiers: Orphanet 636, MedGen C0027831, MONDO:0018975, OMIM 162200. Disease mechanism: loss of function.
Neurofibromatosis-Noonan syndrome (NFNS). Also called: NEUROFIBROMATOSIS WITH NOONAN PHENOTYPE. Identifiers: Orphanet 638, MedGen C2931482, MONDO:0011035, OMIM 601321. Disease mechanism: loss of function.
Café-au-lait macules with pulmonary stenosis (WTSN). Also called: PULMONIC STENOSIS WITH CAFE-AU-LAIT SPOTS. Identifiers: MedGen C0553586, MONDO:0008672, OMIM 193520.
Neurofibromatosis, familial spinal (FSNF). Identifiers: Orphanet 636, MedGen C1834235, MONDO:0008078, OMIM 162210. Disease mechanism: loss of function.
Juvenile myelomonocytic leukemia (JMML). Also called: LEUKEMIA, JUVENILE MYELOMONOCYTIC, SOMATIC. Identifiers: Orphanet 86834, MedGen C0349639, MONDO:0011908, OMIM 607785, HP:0012209.

Allele frequency attached by ClinVar (database versions not stated): gnomAD exomes 0.00002; gnomAD 0.00003; TOPMed 0.00003.
gnomAD v4.1: 12 of 1,611,776 alleles (0.00074%); highest among the groups gnomAD compares: African/African-American, 0.0094%; no homozygotes.

Submissions (6):

Myriad Genetics, Inc.
Classification: Benign for Neurofibromatosis, type 1. Last evaluated: 2026-05-18. Review status: criteria provided, single submitter. Criteria: Myriad Autosomal Dominant, Autosomal Recessive and X-Linked Classification Criteria (2023). Collection method: clinical testing. Allele origin: unknown.
Comment: This variant is considered benign. This variant is a silent/synonymous amino acid change and it is not expected to impact splicing.

Labcorp Genetics (formerly Invitae), Labcorp
Classification: Likely benign for Neurofibromatosis, type 1. Last evaluated: 2026-01-10. Review status: criteria provided, single submitter. Criteria: Invitae Variant Classification Sherloc (09022015). Collection method: clinical testing. Allele origin: germline.

CeGaT Center for Human Genetics Tuebingen
Classification: Likely benign. Last evaluated: 2025-10-01. Review status: criteria provided, single submitter. Criteria: CeGaT Center For Human Genetics Tuebingen Variant Classification Criteria Version 2. Collection method: clinical testing. Allele origin: germline. Affected: yes. Observed: 1 variant allele.
Comment: NF1: BP4, BP7

Genome-Nilou Lab
Classification: Likely benign for Neurofibromatosis, type 1. Last evaluated: 2022-03-15. Review status: criteria provided, single submitter. Criteria: ACMG Guidelines, 2015. Collection method: clinical testing. Allele origin: germline. Affected: no.

Fulgent Genetics
Classification: Likely benign for Neurofibromatosis, type 1; Neurofibromatosis, familial spinal; Café-au-lait macules with pulmonary stenosis; Neurofibromatosis-Noonan syndrome; Juvenile myelomonocytic leukemia. Last evaluated: 2021-11-24. Review status: criteria provided, single submitter. Criteria: ACMG Guidelines, 2015. Collection method: clinical testing. Allele origin: unknown.

Ambry Genetics
Classification: Likely benign for Cardiovascular phenotype; Hereditary cancer-predisposing syndrome. Last evaluated: 2017-07-18. Review status: criteria provided, single submitter. Criteria: Ambry Variant Classification Scheme 2023. Collection method: clinical testing. Allele origin: germline.

NM_001042492.3(NF1):c.2916A>C (p.Leu972=)

Gene: NF1 (neurofibromin 1; plus strand). Cytogenetic location: 17q11.2.
Variant type: single nucleotide variant.
Coding change: c.2916A>C on transcript NM_001042492.3 (MANE Select); coding-DNA position 2916, A replaced by C.
Protein change: p.Leu972=; no amino-acid change (leucine 972 retained).
Molecular consequence: synonymous variant.
Genome position (GRCh38, 1-based): chr17:31,229,900, A>C. VCF-style: chr17-31229900-A-C. GRCh37 (hg19) VCF-style: chr17-29556918-A-C.
Other names: c.2916A>C, p.Leu972= (NM_000267.4).
Identifiers: ClinVar variation 481878 (VCV000481878.22), dbSNP rs1210119104, ClinGen allele CA499229982.